The following is an entry in ClinVar:

ClinVar aggregate classification (germline): Uncertain significance (1 of 4 stars; one submission).

Conditions:
Cardiovascular phenotype. Identifiers: MedGen CN230736.

Allele frequency attached by ClinVar (database versions not stated): TOPMed below 0.00001; ExAC 0.00001.
gnomAD v4.1: 1 of 1,611,130 alleles (0.000062%); highest among the groups gnomAD compares: Admixed American, 0.0017%; no homozygotes.

Submission:

Ambry Genetics
Classification: Uncertain significance for Cardiovascular phenotype. Last evaluated: 2022-04-01. Review status: criteria provided, single submitter. Criteria: Ambry Variant Classification Scheme 2023. Collection method: clinical testing. Allele origin: germline.
Comment: The p.H476P variant (also known as c.1427A>C), located in coding exon 10 of the LMF1 gene, results from an A to C substitution at nucleotide position 1427. The histidine at codon 476 is replaced by proline, an amino acid with similar properties. This amino acid position is conserved. In addition, this alteration is predicted to be tolerated by in silico analysis. Since supporting evidence is limited at this time, the clinical significance of this alteration remains unclear.

NM_022773.4(LMF1):c.1427A>C (p.His476Pro)

Gene: LMF1 (lipase maturation factor 1; minus strand). Cytogenetic location: 16p13.3.
Variant type: single nucleotide variant.
Coding change: c.1427A>C on transcript NM_022773.4 (MANE Select); coding-DNA position 1427, A replaced by C.
Protein change: p.His476Pro; replaces histidine 476 with proline.
Molecular consequence: missense variant. On other transcripts: synonymous variant (1), non-coding transcript variant (1).
Genome position (GRCh38, 1-based): chr16:869,046, T>G on the plus strand (A>C on the coding strand, the complement: LMF1 is on the minus strand). VCF-style: chr16-869046-T-G. GRCh37 (hg19) VCF-style: chr16-919046-T-G.
Other names: c.776A>C, p.His259Pro (NM_001352017.2, NM_001352021.2); c.1028A>C, p.His343Pro (NM_001352018.2); c.1100A>C, p.His367Pro (NM_001352019.2); c.1347A>C, p.Ala449= (NM_001352020.1); short protein forms H259P, H343P, H367P, H476P.
Identifiers: ClinVar variation 1772388 (VCV001772388.2), dbSNP rs746641073, ClinGen allele CA7796975.